The following is an entry in ClinVar:

NM_016030.6(TRAPPC12):c.733C>T (p.Pro245Ser)

Gene: TRAPPC12 (trafficking protein particle complex subunit 12; plus strand). Cytogenetic location: 2p25.3.
Variant type: single nucleotide variant.
Coding change: c.733C>T on transcript NM_016030.6 (MANE Select); coding-DNA position 733, C replaced by T.
Protein change: p.Pro245Ser; replaces proline 245 with serine.
Molecular consequence: missense variant.
Genome position (GRCh38, 1-based): chr2:3,388,356, C>T. VCF-style: chr2-3388356-C-T. GRCh37 (hg19) VCF-style: chr2-3392127-C-T.
Other names: c.733C>T, p.Pro245Ser (NM_001321102.2); short protein forms P245S.
Identifiers: ClinVar variation 1670508 (VCV001670508.39), dbSNP rs200381361, ClinGen allele CA1515156.

ClinVar aggregate classification (germline): Benign. Review status: criteria provided, multiple submitters, no conflicts (2 of 4 stars). 3 submissions from 3 submitters: Benign (3). Last evaluated 2026-08-01.

Allele frequency attached by ClinVar (database versions not stated): 1000 Genomes Project 30x 0.00437; 1000 Genomes Project 0.00439; ESP Exome Variant Server 0.00837; gnomAD exomes 0.00914 and 0.00987; TOPMed 0.00931; gnomAD 0.00938 and 0.00974; ExAC 0.00977.
gnomAD v4.1: 15,642 of 1,592,964 alleles (0.98%); highest among the groups gnomAD compares: Non-Finnish European, 1.1%; 108 homozygotes.

Submissions (3):

CeGaT Center for Human Genetics Tuebingen
Classification: Benign. Last evaluated: 2026-08-01. Review status: criteria provided, single submitter. Criteria: CeGaT Center For Human Genetics Tuebingen Variant Classification Criteria Version 2. Collection method: clinical testing. Allele origin: germline. Affected: yes. Observed: 14 variant alleles.
Comment: TRAPPC12: BP4, BS1, BS2

Labcorp Genetics (formerly Invitae), Labcorp
Classification: Benign. Last evaluated: 2026-01-31. Review status: criteria provided, single submitter. Criteria: Invitae Variant Classification Sherloc (09022015). Collection method: clinical testing. Allele origin: germline.

Breakthrough Genomics
Classification: Benign. Review status: criteria provided, single submitter. Criteria: ACMG Guidelines, 2015. Collection method: not provided. Allele origin: germline. Inheritance: Autosomal recessive inheritance. Affected: yes.